The following is an entry in ClinVar:

ClinVar aggregate classification (germline): Uncertain significance. Review status: criteria provided, multiple submitters, no conflicts (2 of 4 stars). 2 submissions from 2 submitters: Uncertain significance (2). Last evaluated 2024-10-18.

Conditions:
Inborn genetic diseases. Identifiers: MedGen C0950123, MeSH D030342.
Autosomal dominant childhood-onset proximal spinal muscular atrophy with contractures (SMALED2A). Also called: SPINAL MUSCULAR ATROPHY, LOWER EXTREMITY-PREDOMINANT, 2A, CHILDHOOD ONSET, AUTOSOMAL DOMINANT; Spinal muscular atrophy, lower extremity-predominant, 2A, autosomal dominant. Identifiers: Orphanet 363447, Orphanet 363454, MedGen C4747715, MONDO:0014121, OMIM 615290.

Allele frequency attached by ClinVar (database versions not stated): TOPMed 0.00001; ExAC 0.00002; gnomAD exomes 0.00002.
gnomAD v4.1: 6 of 1,614,206 alleles (0.00037%); highest among the groups gnomAD compares: Admixed American, 0.0033%; no homozygotes.

Submissions (2):

Labcorp Genetics (formerly Invitae), Labcorp
Classification: Uncertain significance for Autosomal dominant childhood-onset proximal spinal muscular atrophy with contractures. Last evaluated: 2024-10-18. Review status: criteria provided, single submitter. Criteria: Invitae Variant Classification Sherloc (09022015). Collection method: clinical testing. Allele origin: germline.
Comment: This sequence change replaces arginine, which is basic and polar, with tryptophan, which is neutral and slightly polar, at codon 116 of the BICD2 protein (p.Arg116Trp). This variant is present in population databases (rs767127458, gnomAD 0.007%). This variant has not been reported in the literature in individuals affected with BICD2-related conditions. ClinVar contains an entry for this variant (Variation ID: 1378702). Invitae Evidence Modeling of protein sequence and biophysical properties (such as structural, functional, and spatial information, amino acid conservation, physicochemical variation, residue mobility, and thermodynamic stability) indicates that this missense variant is not expected to disrupt BICD2 protein function with a negative predictive value of 80%. In summary, the available evidence is currently insufficient to determine the role of this variant in disease. Therefore, it has been classified as a Variant of Uncertain Significance.

Ambry Genetics
Classification: Uncertain significance for Inborn genetic diseases. Last evaluated: 2021-06-18. Review status: criteria provided, single submitter. Criteria: Ambry Variant Classification Scheme 2023. Collection method: clinical testing. Allele origin: germline.
Comment: The c.346C>T (p.R116W) alteration is located in exon 2 (coding exon 2) of the BICD2 gene. This alteration results from a C to T substitution at nucleotide position 346, causing the arginine (R) at amino acid position 116 to be replaced by a tryptophan (W). Based on data from the Genome Aggregation Database (gnomAD) database, the BICD2 c.346C>T alteration was observed in <0.01% (4/251450) of total alleles studied. This amino acid position is not well conserved in available vertebrate species. The p.R116W alteration is predicted to be tolerated by in silico analysis. Based on insufficient or conflicting evidence, the clinical significance of this alteration remains unclear.

NM_001003800.2(BICD2):c.346C>T (p.Arg116Trp)

Gene: BICD2 (BICD cargo adaptor 2; minus strand). Cytogenetic location: 9q22.31.
Variant type: single nucleotide variant.
Coding change: c.346C>T on transcript NM_001003800.2 (MANE Select); coding-DNA position 346, C replaced by T.
Protein change: p.Arg116Trp; replaces arginine 116 with tryptophan.
Molecular consequence: missense variant.
Genome position (GRCh38, 1-based): chr9:92,729,131, G>A on the plus strand (C>T on the coding strand, the complement: BICD2 is on the minus strand). VCF-style: chr9-92729131-G-A. GRCh37 (hg19) VCF-style: chr9-95491413-G-A.
Other names: c.346C>T, p.Arg116Trp (NM_015250.4); c.346C>T (NM_001003800.1); short protein forms R116W.
Identifiers: ClinVar variation 1378702 (VCV001378702.9), dbSNP rs767127458, ClinGen allele CA5126837.